The following is an entry in ClinVar:

ClinVar aggregate classification (germline): not provided (0 of 4 stars; one submission).

Submission:

ITMI
No classification provided. Condition: AllHighlyPenetrant. Last evaluated: 2013-09-19. Review status: no classification provided. Collection method: reference population. Allele origin: germline.
Comment: Please see associated publication for description of ethnicities

Literature cited by the submitters: PubMed 24728327.

NM_003482.4(KMT2D):c.6832T>G (p.Phe2278Val)

Gene: KMT2D (lysine methyltransferase 2D; minus strand). Cytogenetic location: 12q13.12.
Variant type: single nucleotide variant.
Coding change: c.6832T>G on transcript NM_003482.4 (MANE Select); coding-DNA position 6832, T replaced by G.
Protein change: p.Phe2278Val; replaces phenylalanine 2278 with valine.
Molecular consequence: missense variant.
Genome position (GRCh38, 1-based): chr12:49,040,938, A>C on the plus strand (T>G on the coding strand, the complement: KMT2D is on the minus strand). VCF-style: chr12-49040938-A-C. GRCh37 (hg19) VCF-style: chr12-49434721-A-C.
Other names: short protein forms F2278V.
Identifiers: ClinVar variation 134701 (VCV000134701.1), dbSNP rs587778469, ClinGen allele CA160569.